The following is an entry in ClinVar:

NM_001142800.2(EYS):c.1483G>C (p.Gly495Arg)

Gene: EYS (EGF-like photoreceptor maintenance factor; minus strand). Cytogenetic location: 6q12.
Variant type: single nucleotide variant.
Coding change: c.1483G>C on transcript NM_001142800.2 (MANE Select); coding-DNA position 1483, G replaced by C.
Protein change: p.Gly495Arg; replaces glycine 495 with arginine.
Molecular consequence: missense variant.
Genome position (GRCh38, 1-based): chr6:65,344,154, C>G on the plus strand (G>C on the coding strand, the complement: EYS is on the minus strand). VCF-style: chr6-65344154-C-G. GRCh37 (hg19) VCF-style: chr6-66054047-C-G.
Other names: c.1483G>C, p.Gly495Arg (NM_001142801.2, NM_001292009.2, NM_198283.2); short protein forms G495R.
Identifiers: ClinVar variation 846445 (VCV000846445.8), dbSNP rs771221172, ClinGen allele CA3877720.

ClinVar aggregate classification (germline): Uncertain significance. Review status: criteria provided, multiple submitters, no conflicts (2 of 4 stars). 6 submissions from 6 submitters: Uncertain significance (5). 1 of the submissions does not count toward it. Last evaluated 2026-07-07.

Conditions:
Inborn genetic diseases. Identifiers: MedGen C0950123, MeSH D030342.
Autosomal recessive retinitis pigmentosa. Identifiers: MedGen C0339526.
Retinitis pigmentosa 25 (RP25). Identifiers: Orphanet 791, MedGen C1864446, MONDO:0011272, OMIM 602772.
EYS-related disorder. Also called: EYS-related condition.

Allele frequency attached by ClinVar (database versions not stated): gnomAD 0.00003; gnomAD exomes 0.00004 and 0.00020; TOPMed 0.00009; ExAC 0.00016.
gnomAD v4.1: 59 of 1,610,020 alleles (0.0037%); highest among the groups gnomAD compares: Admixed American, 0.099%; no homozygotes.

Submissions (6):

PreventionGenetics, part of Exact Sciences
Classification: Uncertain significance for EYS-related condition. Last evaluated: 2026-07-07. Review status: criteria provided, single submitter. Criteria: ACMG Guidelines, 2015. Collection method: clinical testing. Allele origin: germline.
Comment: The EYS c.1483G>C variant is predicted to result in the amino acid substitution p.Gly495Arg. To our knowledge, this variant has not been reported in the literature. This variant is reported in 0.14% of alleles in individuals of Latino descent in gnomAD, which may be too frequent to be a primary cause of disease. Although we suspect that this variant may be benign, at this time, the clinical significance of this variant is uncertain due to the absence of conclusive functional and genetic evidence.

Ambry Genetics
Classification: Uncertain significance for Inborn genetic diseases. Last evaluated: 2024-07-27. Review status: criteria provided, single submitter. Criteria: Ambry Variant Classification Scheme 2023. Collection method: clinical testing. Allele origin: germline.

Labcorp Genetics (formerly Invitae), Labcorp
Classification: Uncertain significance. Last evaluated: 2022-10-28. Review status: criteria provided, single submitter. Criteria: Invitae Variant Classification Sherloc (09022015). Collection method: clinical testing. Allele origin: germline.
Comment: This sequence change replaces glycine, which is neutral and non-polar, with arginine, which is basic and polar, at codon 495 of the EYS protein (p.Gly495Arg). This variant is present in population databases (rs771221172, gnomAD 0.1%). This variant has not been reported in the literature in individuals affected with EYS-related conditions. ClinVar contains an entry for this variant (Variation ID: 846445). Algorithms developed to predict the effect of missense changes on protein structure and function output the following: SIFT: "Tolerated"; PolyPhen-2: "Benign"; Align-GVGD: "Class C0". The arginine amino acid residue is found in multiple mammalian species, which suggests that this missense change does not adversely affect protein function. In summary, the available evidence is currently insufficient to determine the role of this variant in disease. Therefore, it has been classified as a Variant of Uncertain Significance.

Fulgent Genetics
Classification: Uncertain significance for Retinitis pigmentosa 25. Last evaluated: 2021-12-09. Review status: criteria provided, single submitter. Criteria: ACMG Guidelines, 2015. Collection method: clinical testing. Allele origin: unknown.

Blueprint Genetics
Classification: Uncertain significance. Last evaluated: 2021-10-18. Review status: criteria provided, single submitter. Criteria: ACMG Guidelines, 2015. Collection method: clinical testing. Allele origin: germline.

Natera, Inc.
Classification: Uncertain significance for Autosomal recessive retinitis pigmentosa. Last evaluated: 2020-11-09. Review status: no assertion criteria provided. Collection method: clinical testing. Allele origin: germline. Not counted in ClinVar's aggregate classification.